The following is an entry in ClinVar:

NM_001003787.4(STRADA):c.1090C>G (p.Pro364Ala)

Gene: STRADA (STE20 related adaptor alpha; minus strand). Cytogenetic location: 17q23.3.
Variant type: single nucleotide variant.
Coding change: c.1090C>G on transcript NM_001003787.4 (MANE Select); coding-DNA position 1090, C replaced by G.
Protein change: p.Pro364Ala; replaces proline 364 with alanine.
Molecular consequence: missense variant. On other transcripts: 3 prime UTR variant (3), non-coding transcript variant (1), intron variant (6).
Genome position (GRCh38, 1-based): chr17:63,704,351, G>C on the plus strand (C>G on the coding strand, the complement: STRADA is on the minus strand). VCF-style: chr17-63704351-G-C. GRCh37 (hg19) VCF-style: chr17-61781711-G-C.
Other names: c.979C>G, p.Pro327Ala (NM_001003786.3, NM_153335.6); c.916C>G, p.Pro306Ala (NM_001003788.3); c.1066C>G, p.Pro356Ala (NM_001363786.1); c.1003C>G, p.Pro335Ala (NM_001363787.1); c.*528C>G (NM_001411083.1, NM_001411084.1); c.*539C>G (NM_001411085.1); c.898+81C>G (NM_001363789.1); c.835+81C>G (NM_001363790.1, NM_001363791.1); and 3 more; short protein forms P327A, P306A, P356A, P364A, P335A.
Identifiers: ClinVar variation 2818625 (VCV002818625.3), dbSNP rs2511042925, ClinGen allele CA400586604.

ClinVar aggregate classification (germline): Uncertain significance (1 of 4 stars; one submission).

Conditions:
Polyhydramnios, megalencephaly, and symptomatic epilepsy (PMSE). Also called: PMSE SYNDROME. Identifiers: Orphanet 500533, MedGen C1970203, MONDO:0012611, OMIM 611087.

Submission:

Labcorp Genetics (formerly Invitae), Labcorp
Classification: Uncertain significance for Polyhydramnios, megalencephaly, and symptomatic epilepsy. Last evaluated: 2024-08-30. Review status: criteria provided, single submitter. Criteria: Invitae Variant Classification Sherloc (09022015). Collection method: clinical testing. Allele origin: germline.
Comment: This sequence change replaces proline, which is neutral and non-polar, with alanine, which is neutral and non-polar, at codon 364 of the STRADA protein (p.Pro364Ala). This variant is not present in population databases (gnomAD no frequency). This variant has not been reported in the literature in individuals affected with STRADA-related conditions. An algorithm developed to predict the effect of missense changes on protein structure and function (PolyPhen-2) suggests that this variant is likely to be tolerated. In summary, the available evidence is currently insufficient to determine the role of this variant in disease. Therefore, it has been classified as a Variant of Uncertain Significance.